The following is an entry in ClinVar:

NM_001457.4(FLNB):c.2367_2371del (p.Ser789fs)

Gene: FLNB (filamin B; plus strand). Cytogenetic location: 3p14.3.
Variant type: Deletion.
Coding change: c.2367_2371del on transcript NM_001457.4 (MANE Select); coding-DNA positions 2367 to 2371, 5 bases deleted (TGAAG; older notation c.2367_2371delTGAAG).
Protein change: p.Ser789fs; shifts the reading frame from serine 789.
Molecular consequence: frameshift variant.
Genome position (GRCh38, 1-based): chr3:58,110,053-58,110,057, TGAAG deleted; deleting any 5 consecutive bases within chr3:58,110,050-58,110,057 gives the same sequence; the c. name uses the placement nearest the transcript's 3' end. VCF-style (leftmost placement, unchanged base first): chr3-58110049-TAAGTG-T. GRCh37 (hg19) VCF-style: chr3-58095776-TAAGTG-T.
Other names: c.2367_2371del, p.Ser789fs (NM_001164317.2, NM_001164318.2, NM_001164319.2); short protein forms S789fs.
Identifiers: ClinVar variation 3341841 (VCV003341841.16).

ClinVar aggregate classification (germline): Pathogenic (1 of 4 stars; one submission).

Submission:

CeGaT Center for Human Genetics Tuebingen
Classification: Pathogenic. Last evaluated: 2024-08-01. Review status: criteria provided, single submitter. Criteria: CeGaT Center For Human Genetics Tuebingen Variant Classification Criteria Version 2. Collection method: clinical testing. Allele origin: germline. Affected: yes. Observed: 1 variant allele.
Comment: FLNB: PVS1, PM2